The following is an entry in ClinVar:

ClinVar aggregate classification (germline): Likely benign. Review status: criteria provided, multiple submitters, no conflicts (2 of 4 stars). 2 submissions from 2 submitters: Likely benign (2). Last evaluated 2025-12-21.

Conditions:
Congenital hyperammonemia, type I. Also called: Carbamoyl-phosphate synthase I deficiency; CPS I DEFICIENCY; Carbamoyl phosphate synthetase 1 deficiency; Hyperammonemia due to carbamoyl phosphate synthetase 1 deficiency; CPS 1 deficiency; Carbamyl phosphate synthetase (CPS) deficiency. Identifiers: Orphanet 147, MedGen C4082171, MONDO:0009376, OMIM 237300.

Allele frequency attached by ClinVar (database versions not stated): gnomAD exomes below 0.00001 and 0.00003; ExAC 0.00001; gnomAD 0.00001.
gnomAD v4.1: 38 of 1,613,418 alleles (0.0024%); highest among the groups gnomAD compares: Non-Finnish European, 0.0032%; no homozygotes.

Submissions (2):

Labcorp Genetics (formerly Invitae), Labcorp
Classification: Likely benign for Congenital hyperammonemia, type I. Last evaluated: 2025-12-21. Review status: criteria provided, single submitter. Criteria: Invitae Variant Classification Sherloc (09022015). Collection method: clinical testing. Allele origin: germline.

GeneDx
Classification: Likely benign. Last evaluated: 2016-02-08. Review status: criteria provided, single submitter. Criteria: GeneDx Variant Classification (06012015). Collection method: clinical testing. Allele origin: germline. Affected: yes.
Comment: This variant is considered likely benign or benign based on one or more of the following criteria: it is a conservative change, it occurs at a poorly conserved position in the protein, it is predicted to be benign by multiple in silico algorithms, and/or has population frequency not consistent with disease.

NM_001875.5(CPS1):c.4300C>T (p.Leu1434=)

Gene: CPS1 (carbamoyl-phosphate synthase 1; plus strand). Cytogenetic location: 2q34.
Variant type: single nucleotide variant.
Coding change: c.4300C>T on transcript NM_001875.5 (MANE Select); coding-DNA position 4300, C replaced by T.
Protein change: p.Leu1434=; no amino-acid change (leucine 1434 retained).
Molecular consequence: synonymous variant. On other transcripts: non-coding transcript variant (2).
Genome position (GRCh38, 1-based): chr2:210,677,032, C>T. VCF-style: chr2-210677032-C-T. GRCh37 (hg19) VCF-style: chr2-211541756-C-T.
Other names: c.4300C>T (LRG_336t1); c.4300C>T, p.Leu1434= (NM_001122633.3, NM_001369257.1); c.4333C>T, p.Leu1445= (NM_001369256.1).
Identifiers: ClinVar variation 382387 (VCV000382387.8), dbSNP rs752311782, ClinGen allele CA2087257.
Genomic context (GRCh38, chr2:210,677,032, plus strand): 5'-CCTTGTTGTCTATAAGTTTTTGTTTATTTTTCCAGATTGATTAGAGATGGCAGCATTGAC[C>T]TAGTGATTAACCTTCCCAACAACAACACTAAATTTGTCCATGATAATTATGTGATTCGGA-3'
Protein context (NP_001866.2, residues 1424-1444): RKLIRDGSID[Leu1434=]VINLPNNNTK